The following is an entry in ClinVar:

ClinVar aggregate classification (germline): Pathogenic. Review status: criteria provided, multiple submitters, no conflicts (2 of 4 stars). 3 submissions from 3 submitters: Pathogenic (3). Last evaluated 2026-03-10.

Conditions:
RDH5-related disorder. Also called: RDH5-related condition.

Allele frequency attached by ClinVar (database versions not stated): gnomAD exomes 0.00001 and 0.00002; ExAC 0.00002; TOPMed 0.00002.

Submissions (3):

PreventionGenetics, part of Exact Sciences
Classification: Pathogenic for RDH5-related condition. Last evaluated: 2026-03-10. Review status: criteria provided, single submitter. Criteria: ACMG Guidelines, 2015. Collection method: clinical testing. Allele origin: germline.
Comment: The RDH5 c.592delA variant is predicted to result in a frameshift and premature protein termination (p.Ile198Tyrfs*15). This variant was reported in an individual with retinal disease (supplementary data, Lin et al. 2024. PubMed ID: 38219857). This variant is reported in 0.0029% of alleles in individuals of Latino descent in gnomAD. Frameshift variants in RDH5 are expected to be pathogenic. This variant is interpreted as pathogenic.

Labcorp Genetics (formerly Invitae), Labcorp
Classification: Pathogenic. Last evaluated: 2025-10-01. Review status: criteria provided, single submitter. Criteria: Invitae Variant Classification Sherloc (09022015). Collection method: clinical testing. Allele origin: germline.
Comment: This sequence change creates a premature translational stop signal (p.Ile198Tyrfs*15) in the RDH5 gene. It is expected to result in an absent or disrupted protein product. Loss-of-function variants in RDH5 are known to be pathogenic (PMID: 11675386, 22815624). This variant is present in population databases (rs755766300, gnomAD 0.003%). This variant has not been reported in the literature in individuals affected with RDH5-related conditions. ClinVar contains an entry for this variant (Variation ID: 1451017). Algorithms developed to predict the effect of sequence changes on RNA splicing suggest that this variant may disrupt the consensus splice site. For these reasons, this variant has been classified as Pathogenic.

Dasa
Classification: Pathogenic. Last evaluated: 2024-06-30. Review status: criteria provided, single submitter. Criteria: DASA Assertion Criteria. Collection method: clinical testing. Allele origin: germline.
Comment: NM_002905.5(RDH5):c.592del (p.Ile198Tyrfs*15) introduces a premature termination codon predicted to result in loss of normal protein function. Loss-of-function is an established mechanism of disease for this gene. Multiple computational predictions support a deleterious effect on the gene or gene product. The variant is present at low frequency in population datasets. Based on the available data, this variant is classified as pathogenic.

Literature cited by the submitters: PubMed 11675386 (cited by Labcorp Genetics (formerly Invitae), Labcorp); PubMed 22815624 (cited by Labcorp Genetics (formerly Invitae), Labcorp).

NM_002905.5(RDH5):c.592del (p.Ile198fs)

Genes: BLOC1S1-RDH5 (BLOC1S1-RDH5 readthrough; plus strand), CD63 (CD63 molecule; minus strand), RDH5 (retinol dehydrogenase 5; plus strand). Cytogenetic location: 12q13.2.
Variant type: Deletion.
Coding change: c.592del on transcript NM_002905.5 (MANE Select); coding-DNA position 592, one base deleted (A; older notation c.592delA).
Protein change: p.Ile198fs; shifts the reading frame from isoleucine 198.
Molecular consequence: frameshift variant. On other transcripts: non-coding transcript variant (1).
Genome position (GRCh38, 1-based): chr12:55,723,908, A deleted. VCF-style (leftmost placement, unchanged base first): chr12-55723907-GA-G. GRCh37 (hg19) VCF-style: chr12-56117691-GA-G.
Other names: c.592del, p.Ile198fs (NM_001199771.3); c.592delA (NM_002905.3); short protein forms I198fs.
Identifiers: ClinVar variation 1451017 (VCV001451017.8), dbSNP rs755766300, ClinGen allele CA6616891.